The following is an entry in ClinVar:

NM_001844.5(COL2A1):c.328G>A (p.Gly110Arg)

Gene: COL2A1 (collagen type II alpha 1 chain; minus strand). Cytogenetic location: 12q13.11.
Variant type: single nucleotide variant.
Coding change: c.328G>A on transcript NM_001844.5 (MANE Select); coding-DNA position 328, G replaced by A.
Protein change: p.Gly110Arg; replaces glycine 110 with arginine.
Molecular consequence: missense variant.
Genome position (GRCh38, 1-based): chr12:47,998,183, C>T on the plus strand (G>A on the coding strand, the complement: COL2A1 is on the minus strand). VCF-style: chr12-47998183-C-T. GRCh37 (hg19) VCF-style: chr12-48391966-C-T.
Other names: c.121G>A, p.Gly41Arg (NM_033150.3); short protein forms G110R, G41R.
Identifiers: ClinVar variation 3682439 (VCV003682439.2).

ClinVar aggregate classification (germline): Uncertain significance (1 of 4 stars; one submission).

gnomAD v4.1: 5 of 1,614,152 alleles (0.00031%); highest among the groups gnomAD compares: Non-Finnish European, 0.00042%; no homozygotes.

Submission:

Labcorp Genetics (formerly Invitae), Labcorp
Classification: Uncertain significance. Last evaluated: 2024-05-28. Review status: criteria provided, single submitter. Criteria: Invitae Variant Classification Sherloc (09022015). Collection method: clinical testing. Allele origin: germline.
Comment: This sequence change replaces glycine, which is neutral and non-polar, with arginine, which is basic and polar, at codon 110 of the COL2A1 protein (p.Gly110Arg). This variant is not present in population databases (gnomAD no frequency). This variant has not been reported in the literature in individuals affected with COL2A1-related conditions. Advanced modeling of protein sequence and biophysical properties (such as structural, functional, and spatial information, amino acid conservation, physicochemical variation, residue mobility, and thermodynamic stability) has been performed at Invitae for this missense variant, however the output from this modeling did not meet the statistical confidence thresholds required to predict the impact of this variant on COL2A1 protein function. In summary, the available evidence is currently insufficient to determine the role of this variant in disease. Therefore, it has been classified as a Variant of Uncertain Significance.